The following is an entry in ClinVar:

ClinVar aggregate classification (germline): Pathogenic (1 of 4 stars; one submission).

Conditions:
Cerebellar ataxia. Identifiers: Orphanet 102002, MedGen C0007758, MONDO:0000437.

Submission:

Molecular Medicine, University of Pavia
Classification: Pathogenic for Ataxia. Last evaluated: 2020-01-28. Review status: criteria provided, single submitter. Criteria: ACMG Guidelines, 2015. Collection method: research, in vitro. Allele origin: germline, not applicable. Inheritance: Autosomal recessive inheritance. Affected: yes. Observed: 2 variant alleles, 2 homozygotes. Clinical features observed: Intellectual disability (HP:0001249), Seizure (HP:0001250), Abnormal facial shape (HP:0001999). Functional consequence: missing protein.
Comment: According to the ACMG 2015 guidelines, the variant in classified as "pathogenic". The variant is not reported in frequency databases GnomAD and TOPMed. The variant was heterozygous in parents and unaffected family members, while homozygous in both affected siblings with same phenotype. The variant causes exon skipping and nonsense-mediated mRNA decay, according to both in silico predictions and functional assays. Furthermore, it induces absence of protein expression and decreased repair of TOP2-induced double strand breaks in the DNA. Other LOF (splice-site) variants have been reported in the gene in previous studies (DOI: 10.1212/NXG.0000000000000262, and 10.1038/ng.2929).

NM_016614.3(TDP2):c.636+3_636+6del

Gene: TDP2 (tyrosyl-DNA phosphodiesterase 2; minus strand). Cytogenetic location: 6p22.3.
Variant type: Deletion.
Coding change: c.636+3_636+6del on transcript NM_016614.3 (MANE Select); bases 3 to 6 of the intron after coding-DNA position 636, 4 bases deleted (GAGT; older notation c.636+3_636+6delGAGT).
Molecular consequence: splice donor variant.
Genome position (GRCh38, 1-based): chr6:24,654,406-24,654,409, ACTC deleted on the plus strand (GAGT on the coding strand, the reverse complement: TDP2 is on the minus strand); deleting any 4 consecutive bases within chr6:24,654,406-24,654,411 gives the same sequence; the c. name uses the placement nearest the transcript's 3' end. VCF-style (leftmost placement, unchanged base first): chr6-24654405-TACTC-T. GRCh37 (hg19) VCF-style: chr6-24654633-TACTC-T.
Other names: c.636+3_636+6delGAGT (NM_016614.3).
Identifiers: ClinVar variation 812705 (VCV000812705.4), dbSNP rs1240335250, ClinGen allele CA362986201.